The following is an entry in ClinVar:

NM_001846.4(COL4A2):c.608A>T (p.His203Leu)

Gene: COL4A2 (collagen type IV alpha 2 chain; plus strand). Cytogenetic location: 13q34.
Variant type: single nucleotide variant.
Coding change: c.608A>T on transcript NM_001846.4 (MANE Select); coding-DNA position 608, A replaced by T.
Protein change: p.His203Leu; replaces histidine 203 with leucine.
Molecular consequence: missense variant.
Genome position (GRCh38, 1-based): chr13:110,430,567, A>T. VCF-style: chr13-110430567-A-T. GRCh37 (hg19) VCF-style: chr13-111082914-A-T.
Other names: p.His203Leu; short protein forms H203L.
Identifiers: ClinVar variation 1127530 (VCV001127530.48), dbSNP rs201716258, ClinGen allele CA7048988.
Genomic context (GRCh38, chr13:110,430,567, plus strand): 5'-ACCTCTCTTAAAAACATTCTCCCGCTGCCTATCCATAGGGACCTCCCGGCCGCCCTGGGC[A>T]TGTGGGACAGATGGGTCCAGTTGGAGCTCCAGGGAGACCAGTAAGTACCTGGACACAGGT-3'
Protein context (NP_001837.2, residues 193-213): GFQGPPGRPG[His203Leu]VGQMGPVGAP

ClinVar aggregate classification (germline): Conflicting classifications of pathogenicity. Review status: criteria provided, conflicting classifications (1 of 4 stars). 6 submissions from 6 submitters: Uncertain significance (1); Likely benign (5). Last evaluated 2026-07-17.

Conditions:
Inborn genetic diseases. Identifiers: MedGen C0950123, MeSH D030342.

Allele frequency attached by ClinVar (database versions not stated): ExAC 0.00015; 1000 Genomes Project 0.00020; gnomAD exomes 0.00024 and 0.00052; 1000 Genomes Project 30x 0.00031; ESP Exome Variant Server 0.00058.
gnomAD v4.1: 807 of 1,614,222 alleles (0.05%); highest among the groups gnomAD compares: Non-Finnish European, 0.066%; no homozygotes.

Submissions (6):

Ambry Genetics
Classification: Likely benign for Inborn genetic diseases. Last evaluated: 2026-07-17. Review status: criteria provided, single submitter. Criteria: Ambry Variant Classification Scheme 2023. Collection method: clinical testing. Allele origin: germline.

Labcorp Genetics (formerly Invitae), Labcorp
Classification: Likely benign. Last evaluated: 2025-12-23. Review status: criteria provided, single submitter. Criteria: Invitae Variant Classification Sherloc (09022015). Collection method: clinical testing. Allele origin: germline.

Mayo Clinic Laboratories, Mayo Clinic
Classification: Likely benign. Last evaluated: 2025-11-07. Review status: criteria provided, single submitter. Criteria: ACMG Guidelines, 2015. Collection method: clinical testing. Allele origin: germline. Observed: 1 variant allele.
Comment: BP4

Blueprint Genetics
Classification: Likely benign. Last evaluated: 2024-10-29. Review status: criteria provided, single submitter. Criteria: ACMG Guidelines, 2015. Collection method: clinical testing. Allele origin: germline.

CeGaT Center for Human Genetics Tuebingen
Classification: Uncertain significance. Last evaluated: 2021-11-01. Review status: criteria provided, single submitter. Criteria: CeGaT Center For Human Genetics Tuebingen Variant Classification Criteria Version 2. Collection method: clinical testing. Allele origin: germline. Affected: yes. Observed: 2 variant alleles.

GeneDx
Classification: Likely benign. Last evaluated: 2015-03-03. Review status: criteria provided, single submitter. Criteria: GeneDx Variant Classification Process June 2021. Collection method: clinical testing. Allele origin: germline. Affected: yes.
Comment: See Variant Classification Assertion Criteria.

Literature cited by the submitters: PubMed 34031201 (cited by Mayo Clinic Laboratories, Mayo Clinic).